The following is an entry in ClinVar:

NM_012079.6(DGAT1):c.1142T>C (p.Val381Ala)

Gene: DGAT1 (diacylglycerol O-acyltransferase 1; minus strand). Cytogenetic location: 8q24.3.
Variant type: single nucleotide variant.
Coding change: c.1142T>C on transcript NM_012079.6 (MANE Select); coding-DNA position 1142, T replaced by C.
Protein change: p.Val381Ala; replaces valine 381 with alanine.
Molecular consequence: missense variant.
Genome position (GRCh38, 1-based): chr8:144,317,205, A>G on the plus strand (T>C on the coding strand, the complement: DGAT1 is on the minus strand). VCF-style: chr8-144317205-A-G. GRCh37 (hg19) VCF-style: chr8-145540868-A-G.
Other names: short protein forms V381A.
Identifiers: ClinVar variation 1350804 (VCV001350804.5), dbSNP rs782347377, ClinGen allele CA4936656.

ClinVar aggregate classification (germline): Uncertain significance (1 of 4 stars; one submission).

Allele frequency attached by ClinVar (database versions not stated): gnomAD exomes below 0.00001 and 0.00001; TOPMed below 0.00001; ExAC 0.00001.

Submission:

Labcorp Genetics (formerly Invitae), Labcorp
Classification: Uncertain significance. Last evaluated: 2021-08-26. Review status: criteria provided, single submitter. Criteria: Invitae Variant Classification Sherloc (09022015). Collection method: clinical testing. Allele origin: germline.
Comment: This sequence change replaces valine with alanine at codon 381 of the DGAT1 protein (p.Val381Ala). The valine residue is highly conserved and there is a small physicochemical difference between valine and alanine. This variant is present in population databases (rs782347377, ExAC 0.002%). This variant has not been reported in the literature in individuals affected with DGAT1-related conditions. Algorithms developed to predict the effect of missense changes on protein structure and function (SIFT, PolyPhen-2, Align-GVGD) all suggest that this variant is likely to be disruptive. In summary, the available evidence is currently insufficient to determine the role of this variant in disease. Therefore, it has been classified as a Variant of Uncertain Significance.